The following is an entry in ClinVar:

ClinVar aggregate classification (germline): Uncertain significance (1 of 4 stars; one submission).

Conditions:
Glycogen storage disease IXb (GSD9B). Also called: GLYCOGENOSIS OF LIVER AND MUSCLE, AUTOSOMAL RECESSIVE; GSD IXb; PHOSPHORYLASE KINASE DEFICIENCY OF LIVER AND MUSCLE, AUTOSOMAL RECESSIVE. Identifiers: Orphanet 79240, MedGen C0543514, MONDO:0009868, OMIM 261750.

gnomAD v4.1: 2 of 1,612,032 alleles (0.00012%); highest among the groups gnomAD compares: Admixed American, 0.0017%; no homozygotes.

Submission:

Labcorp Genetics (formerly Invitae), Labcorp
Classification: Uncertain significance for Glycogen storage disease IXb. Last evaluated: 2025-07-30. Review status: criteria provided, single submitter. Criteria: Invitae Variant Classification Sherloc (09022015). Collection method: clinical testing. Allele origin: germline.
Comment: This sequence change replaces glutamic acid, which is acidic and polar, with glycine, which is neutral and non-polar, at codon 210 of the PHKB protein (p.Glu210Gly). This variant is present in population databases (no rsID available, gnomAD 0.1%). This variant has not been reported in the literature in individuals affected with PHKB-related conditions. An algorithm developed to predict the effect of missense changes on protein structure and function (PolyPhen-2) suggests that this variant is likely to be disruptive. In summary, the available evidence is currently insufficient to determine the role of this variant in disease. Therefore, it has been classified as a Variant of Uncertain Significance.

NM_000293.3(PHKB):c.629A>G (p.Glu210Gly)

Gene: PHKB (phosphorylase kinase regulatory subunit beta; plus strand). Cytogenetic location: 16q12.1.
Variant type: single nucleotide variant.
Coding change: c.629A>G on transcript NM_000293.3 (MANE Select); coding-DNA position 629, A replaced by G.
Protein change: p.Glu210Gly; replaces glutamic acid 210 with glycine.
Molecular consequence: missense variant.
Genome position (GRCh38, 1-based): chr16:47,547,467, A>G. VCF-style: chr16-47547467-A-G. GRCh37 (hg19) VCF-style: chr16-47581378-A-G.
Other names: c.629A>G, p.Glu210Gly (NM_001363837.1); c.608A>G, p.Glu203Gly (NM_001031835.3); short protein forms E203G, E210G.
Identifiers: ClinVar variation 4807704 (VCV004807704.1).